The following is an entry in ClinVar:

ClinVar aggregate classification (germline): Uncertain significance (1 of 4 stars; one submission).

Conditions:
Charcot-Marie-Tooth disease axonal type 2O. Also called: CHARCOT-MARIE-TOOTH NEUROPATHY, AXONAL, TYPE 2O; CHARCOT-MARIE-TOOTH DISEASE, AXONAL, AUTOSOMAL DOMINANT, TYPE 2O; Charcot-Marie-Tooth Neuropathy Type 2O; Charcot-Marie-Tooth disease, axonal, type 20. Identifiers: Orphanet 284232, MedGen C3280220, MONDO:0013644, OMIM 614228.

Submission:

Labcorp Genetics (formerly Invitae), Labcorp
Classification: Uncertain significance for Charcot-Marie-Tooth disease axonal type 2O. Last evaluated: 2025-05-04. Review status: criteria provided, single submitter. Criteria: Invitae Variant Classification Sherloc (09022015). Collection method: clinical testing. Allele origin: germline.
Comment: This sequence change replaces isoleucine, which is neutral and non-polar, with valine, which is neutral and non-polar, at codon 353 of the DYNC1H1 protein (p.Ile353Val). This variant is not present in population databases (gnomAD no frequency). This variant has not been reported in the literature in individuals affected with DYNC1H1-related conditions. Invitae Evidence Modeling of protein sequence and biophysical properties (such as structural, functional, and spatial information, amino acid conservation, physicochemical variation, residue mobility, and thermodynamic stability) indicates that this missense variant is not expected to disrupt DYNC1H1 protein function with a negative predictive value of 95%. Algorithms developed to predict the effect of sequence changes on RNA splicing suggest that this variant may disrupt the consensus splice site. In summary, the available evidence is currently insufficient to determine the role of this variant in disease. Therefore, it has been classified as a Variant of Uncertain Significance.

NM_001376.5(DYNC1H1):c.1057A>G (p.Ile353Val)

Gene: DYNC1H1 (dynein cytoplasmic 1 heavy chain 1; plus strand). Cytogenetic location: 14q32.31.
Variant type: single nucleotide variant.
Coding change: c.1057A>G on transcript NM_001376.5 (MANE Select); coding-DNA position 1057, A replaced by G.
Protein change: p.Ile353Val; replaces isoleucine 353 with valine.
Molecular consequence: missense variant.
Genome position (GRCh38, 1-based): chr14:101,983,114, A>G. VCF-style: chr14-101983114-A-G. GRCh37 (hg19) VCF-style: chr14-102449451-A-G.
Other names: short protein forms I353V.
Identifiers: ClinVar variation 4802029 (VCV004802029.1).